The following is an entry in ClinVar:

ClinVar aggregate classification (germline): Uncertain significance. Review status: criteria provided, multiple submitters, no conflicts (2 of 4 stars). 2 submissions from 2 submitters: Uncertain significance (2). Last evaluated 2025-08-01.

Conditions:
Inborn genetic diseases. Identifiers: MedGen C0950123, MeSH D030342.
Charcot-Marie-Tooth disease dominant intermediate B (CMTDIB). Also called: CHARCOT-MARIE-TOOTH NEUROPATHY, DOMINANT INTERMEDIATE B; Charcot-Marie-Tooth disease dominant intermediate 1; CMT DI1; Charcot-Marie-Tooth disease dominant intermediate I. Identifiers: Orphanet 100044, Orphanet 228179, MedGen C1847902, MONDO:0011674, OMIM 606482.

Allele frequency attached by ClinVar (database versions not stated): gnomAD exomes below 0.00001; ExAC 0.00001.
gnomAD v4.1: 3 of 1,614,196 alleles (0.00019%); highest among the groups gnomAD compares: Non-Finnish European, 0.00025%; no homozygotes.

Submissions (2):

Ambry Genetics
Classification: Uncertain significance for Inborn genetic diseases. Last evaluated: 2025-08-01. Review status: criteria provided, single submitter. Criteria: Ambry Variant Classification Scheme 2023. Collection method: clinical testing. Allele origin: germline.

Labcorp Genetics (formerly Invitae), Labcorp
Classification: Uncertain significance for Charcot-Marie-Tooth disease dominant intermediate B. Last evaluated: 2022-03-18. Review status: criteria provided, single submitter. Criteria: Invitae Variant Classification Sherloc (09022015). Collection method: clinical testing. Allele origin: germline.
Comment: This sequence change replaces valine, which is neutral and non-polar, with isoleucine, which is neutral and non-polar, at codon 585 of the DNM2 protein (p.Val585Ile). This variant is not present in population databases (gnomAD no frequency). This variant has not been reported in the literature in individuals affected with DNM2-related conditions. Algorithms developed to predict the effect of missense changes on protein structure and function output the following: SIFT: "Tolerated"; PolyPhen-2: "Benign"; Align-GVGD: "Class C0". The isoleucine amino acid residue is found in multiple mammalian species, which suggests that this missense change does not adversely affect protein function. In summary, the available evidence is currently insufficient to determine the role of this variant in disease. Therefore, it has been classified as a Variant of Uncertain Significance.

NM_001005361.3(DNM2):c.1753G>A (p.Val585Ile)

Gene: DNM2 (dynamin 2; plus strand). Cytogenetic location: 19p13.2.
Variant type: single nucleotide variant.
Coding change: c.1753G>A on transcript NM_001005361.3 (MANE Select); coding-DNA position 1753, G replaced by A.
Protein change: p.Val585Ile; replaces valine 585 with isoleucine.
Molecular consequence: missense variant.
Genome position (GRCh38, 1-based): chr19:10,820,061, G>A. VCF-style: chr19-10820061-G-A. GRCh37 (hg19) VCF-style: chr19-10930737-G-A.
Other names: c.1753G>A (NM_001005360.2); c.1753G>A, p.Val585Ile (NM_001005360.3, NM_001190716.2); c.1741G>A, p.Val581Ile (NM_001005362.3, NM_004945.4); short protein forms V581I, V585I.
Identifiers: ClinVar variation 1361757 (VCV001361757.9), dbSNP rs762777422, ClinGen allele CA9201386.